The following is an entry in ClinVar:

ClinVar aggregate classification (germline): Uncertain significance (1 of 4 stars; one submission).

Conditions:
Fanconi anemia (FA). Also called: Fanconi's anemia. Identifiers: Orphanet 84, MedGen C0015625, MeSH D005199, MONDO:0019391.

Submission:

Labcorp Genetics (formerly Invitae), Labcorp
Classification: Uncertain significance for Fanconi anemia. Last evaluated: 2024-10-21. Review status: criteria provided, single submitter. Criteria: Invitae Variant Classification Sherloc (09022015). Collection method: clinical testing. Allele origin: germline.
Comment: This variant, c.1840_1842dup, results in the insertion of 1 amino acid(s) of the FANCD2 protein (p.Leu614dup), but otherwise preserves the integrity of the reading frame. This variant is present in population databases (no rsID available, gnomAD 0.06%). This variant has not been reported in the literature in individuals affected with FANCD2-related conditions. In summary, the available evidence is currently insufficient to determine the role of this variant in disease. Therefore, it has been classified as a Variant of Uncertain Significance.

NM_001018115.3(FANCD2):c.1837TTG[3] (p.Leu614_Gln615insLeu)

Genes: FANCD2 (FA complementation group D2; plus strand), LOC107303338 (3p25 FANCD2 Alu-mediated recombination region; plus strand). Cytogenetic location: 3p25.3.
Variant type: Microsatellite.
Coding change: c.1837TTG[3] on transcript NM_001018115.3 (MANE Select); three copies in a row of the 3-base unit TTG starting at c.1837; the reference has two copies in a row; one copy, 3 bases duplicated.
Protein change: p.Leu614_Gln615insLeu.
Molecular consequence: inframe insertion.
Genome position (GRCh38, 1-based): chr3:10,063,804-10,063,806, TTG duplicated; duplicating any 3 consecutive bases within chr3:10,063,801-10,063,806 gives the same sequence; the position shown is the placement nearest the transcript's 3' end. VCF-style (leftmost placement, unchanged base first): chr3-10063800-C-CTTG. GRCh37 (hg19) VCF-style: chr3-10105484-C-CTTG.
Other names: c.1837TTG[3], p.Leu614_Gln615insLeu (NM_001319984.2, NM_001374254.1, NM_033084.6); c.1726TTG[3], p.Leu577_Gln578insLeu (NM_001374253.1).
Identifiers: ClinVar variation 2151561 (VCV002151561.2), dbSNP rs1256966546, ClinGen allele CA540873252.
Genomic context (GRCh38, chr3:10,063,800, plus strand): 5'-TTGGGAAAGATTGGCAGCCCAAGGTTTAAACCATTCTTCCTCTTTGCTCCAGGTGACCTC[C>CTTG]TTGTTGCAGTTGGTTCATTCCTGCAGTGAGCAGTCTCCTCAGGCCTCTGCACTTTACTAT-3'